The following is an entry in ClinVar:

ClinVar aggregate classification (germline): Conflicting classifications of pathogenicity. Review status: criteria provided, conflicting classifications (1 of 4 stars). 4 submissions from 4 submitters: Likely pathogenic (2); Uncertain significance (2). Last evaluated 2025-12-15.

Conditions:
Wilson disease (WND). Also called: Wilson's disease. Identifiers: Orphanet 905, MedGen C0019202, MONDO:0010200, OMIM 277900. Disease mechanism: loss of function.

Allele frequency attached by ClinVar (database versions not stated): gnomAD exomes below 0.00001.
gnomAD v4.1: 1 of 1,614,224 alleles (0.000062%); highest among the groups gnomAD compares: African/African-American, 0.0013%; no homozygotes.

Submissions (4):

Labcorp Genetics (formerly Invitae), Labcorp
Classification: Uncertain significance for Wilson disease. Last evaluated: 2025-12-15. Review status: criteria provided, single submitter. Criteria: Invitae Variant Classification Sherloc (09022015). Collection method: clinical testing. Allele origin: germline.
Comment: This sequence change replaces serine, which is neutral and polar, with asparagine, which is neutral and polar, at codon 1067 of the ATP7B protein (p.Ser1067Asn). This variant is not present in population databases (gnomAD no frequency). This missense change has been observed in individual(s) with Wilson disease (PMID: 20517649, 36112267; internal data). ClinVar contains an entry for this variant (Variation ID: 2679808). Invitae Evidence Modeling of protein sequence and biophysical properties (such as structural, functional, and spatial information, amino acid conservation, physicochemical variation, residue mobility, and thermodynamic stability) indicates that this missense variant is expected to disrupt ATP7B protein function with a positive predictive value of 80%. This variant disrupts the p.Ser1067 amino acid residue in ATP7B. Other variant(s) that disrupt this residue have been observed in individuals with ATP7B-related conditions (PMID: 20517649, 34400371), which suggests that this may be a clinically significant amino acid residue. In summary, the available evidence is currently insufficient to determine the role of this variant in disease. Therefore, it has been classified as a Variant of Uncertain Significance.

Women's Health and Genetics/Laboratory Corporation of America, LabCorp
Classification: Uncertain significance. Last evaluated: 2025-11-03. Review status: criteria provided, single submitter. Criteria: LabCorp Variant Classification Summary - May 2015. Collection method: clinical testing. Allele origin: germline.
Comment: Variant summary: ATP7B c.3200G>A (p.Ser1067Asn) results in a conservative amino acid change in the encoded protein sequence. Algorithms developed to predict the effect of missense changes on protein structure and function are either unavailable or do not agree on the potential impact of this missense change. The variant was absent in 249388 control chromosomes. c.3200G>A has been observed in individuals affected with Wilson Disease (e.g. Weiss_2010, Lv_2015, Nagral_2023). These data indicate that the variant may be associated with disease. To our knowledge, no experimental evidence demonstrating an impact on protein function has been reported. The following publications have been ascertained in the context of this evaluation (PMID: 30232804, 25376582, 36112267, 20517649). ClinVar contains an entry for this variant (Variation ID: 2679808). Based on the evidence outlined above, the variant was classified as VUS-possibly pathogenic.

Natera, Inc.
Classification: Likely pathogenic for Wilson disease. Last evaluated: 2024-11-29. Review status: criteria provided, single submitter. Criteria: Natera Variant Classification Schema (03/2026). Collection method: clinical testing. Allele origin: germline.
Comment: The c.3200G>A variant in ATP7B is a missense variant predicted to cause substitution of serine to asparagine at amino acid 1067. This variant is rare in the general population with a frequency below the threshold expected for the associated phenotype(s). This variant has been observed in one or more individuals affected with the associated recessive disease, as either homozygous or compound heterozygous with a second variant (PMID: 25376582, 20517649). Computational prediction algorithms indicate this variant is likely to affect gene or protein function. Given the available evidence, this variant is classified as Likely Pathogenic.

Baylor Genetics
Classification: Likely pathogenic for Wilson disease. Last evaluated: 2023-04-14. Review status: criteria provided, single submitter. Criteria: ACMG Guidelines, 2015. Collection method: clinical testing. Allele origin: unknown.

Literature cited by the submitters: PubMed 20517649 (cited by 3 submitters); PubMed 36112267 (cited by Labcorp Genetics (formerly Invitae), Labcorp and Women's Health and Genetics/Laboratory Corporation of America, LabCorp); PubMed 34400371 (cited by Labcorp Genetics (formerly Invitae), Labcorp); PubMed 30232804 (cited by Women's Health and Genetics/Laboratory Corporation of America, LabCorp); PubMed 25376582 (cited by Women's Health and Genetics/Laboratory Corporation of America, LabCorp and Natera, Inc.).

NM_000053.4(ATP7B):c.3200G>A (p.Ser1067Asn)

Gene: ATP7B (ATPase copper transporting beta; minus strand). Cytogenetic location: 13q14.3.
Variant type: single nucleotide variant.
Coding change: c.3200G>A on transcript NM_000053.4 (MANE Select); coding-DNA position 3200, G replaced by A.
Protein change: p.Ser1067Asn; replaces serine 1067 with asparagine.
Molecular consequence: missense variant. On other transcripts: intron variant (1).
Genome position (GRCh38, 1-based): chr13:51,944,152, C>T on the plus strand (G>A on the coding strand, the complement: ATP7B is on the minus strand). VCF-style: chr13-51944152-C-T. GRCh37 (hg19) VCF-style: chr13-52518288-C-T.
Other names: c.3023G>A, p.Ser1008Asn (NM_001406524.1); c.3005G>A, p.Ser1002Asn (NM_001406525.1); c.3200G>A, p.Ser1067Asn (NM_001406526.1, NM_001406511.1, NM_001406512.1); c.2966G>A, p.Ser989Asn (NM_001406527.1, NM_001406528.1, NM_001406538.1 and 1 more transcripts); c.2960G>A, p.Ser987Asn (NM_001406530.1); c.2948G>A, p.Ser983Asn (NM_001406531.1, NM_001406532.1, NM_001330579.2); c.2912G>A, p.Ser971Asn (NM_001406534.1); c.2870G>A, p.Ser957Asn (NM_001406535.1, NM_001406536.1); and 20 more; short protein forms S1002N, S1008N, S1019N, S1022N, S1035N, S1049N, S1056N, S1065N.
Identifiers: ClinVar variation 2679808 (VCV002679808.4), dbSNP rs2085422358, ClinGen allele CA388029924.